The following is an entry in ClinVar:

NM_000157.4(GBA1):c.362G>C (p.Gly121Ala)

Genes: GBA1 (glucosylceramidase beta 1; minus strand), LOC106627981 (GBA recombination region; plus strand). Cytogenetic location: 1q22.
Variant type: single nucleotide variant.
Coding change: c.362G>C on transcript NM_000157.4 (MANE Select); coding-DNA position 362, G replaced by C.
Protein change: p.Gly121Ala; replaces glycine 121 with alanine.
Molecular consequence: missense variant. On other transcripts: intron variant (1).
Genome position (GRCh38, 1-based): chr1:155,239,708, C>G on the plus strand (G>C on the coding strand, the complement: GBA1 is on the minus strand). VCF-style: chr1-155239708-C-G. GRCh37 (hg19) VCF-style: chr1-155209499-C-G.
Other names: c.362G>C, p.Gly121Ala (NM_001005741.3, NM_001005742.3); c.101G>C, p.Gly34Ala (NM_001171811.2); c.307+178G>C (NM_001171812.2); short protein forms G121A, G34A.
Identifiers: ClinVar variation 4875327 (VCV004875327.2).

ClinVar aggregate classification (germline): Uncertain significance (1 of 4 stars; one submission).

gnomAD v4.1: 1 of 1,614,082 alleles (0.000062%); highest among the groups gnomAD compares: Non-Finnish European, 0.000085%; no homozygotes.

Submission:

CeGaT Center for Human Genetics Tuebingen
Classification: Uncertain significance. Last evaluated: 2026-06-01. Review status: criteria provided, single submitter. Criteria: CeGaT Center For Human Genetics Tuebingen Variant Classification Criteria Version 2. Collection method: clinical testing. Allele origin: germline. Affected: yes. Observed: 1 variant allele.
Comment: GBA1: PM2